The following is an entry in ClinVar:

NM_004656.4(BAP1):c.1870G>C (p.Gly624Arg)

Gene: BAP1 (BRCA1 associated deubiquitinase 1; minus strand). Cytogenetic location: 3p21.1.
Variant type: single nucleotide variant.
Coding change: c.1870G>C on transcript NM_004656.4 (MANE Select); coding-DNA position 1870, G replaced by C.
Protein change: p.Gly624Arg; replaces glycine 624 with arginine.
Molecular consequence: missense variant.
Genome position (GRCh38, 1-based): chr3:52,403,158, C>G on the plus strand (G>C on the coding strand, the complement: BAP1 is on the minus strand). VCF-style: chr3-52403158-C-G. GRCh37 (hg19) VCF-style: chr3-52437174-C-G.
Other names: c.1816G>C, p.Gly606Arg (NM_001410772.1); short protein forms G606R, G624R.
Identifiers: ClinVar variation 4842544 (VCV004842544.1).

ClinVar aggregate classification (germline): Uncertain significance (1 of 4 stars; one submission).

Conditions:
Hereditary cancer-predisposing syndrome. Also called: Neoplastic Syndromes, Hereditary; Tumor predisposition; Hereditary Cancer Syndrome; Hereditary neoplastic syndrome. Identifiers: Orphanet 140162, MedGen C0027672, MeSH D009386, MONDO:0015356.

Submission:

Ambry Genetics
Classification: Uncertain significance for Hereditary cancer-predisposing syndrome. Last evaluated: 2025-12-16. Review status: criteria provided, single submitter. Criteria: Ambry Variant Classification Scheme 2023. Collection method: clinical testing. Allele origin: germline.
Comment: The p.G624R variant (also known as c.1870G>C), located in coding exon 14 of the BAP1 gene, results from a G to C substitution at nucleotide position 1870. The glycine at codon 624 is replaced by arginine, an amino acid with dissimilar properties. This amino acid position is conserved. In addition, this alteration is predicted to be deleterious by in silico analysis. Based on the available evidence, the clinical significance of this variant remains unclear.